The following is an entry in ClinVar:

ClinVar aggregate classification (germline): Uncertain significance (1 of 4 stars; one submission).

Conditions:
Hereditary cancer-predisposing syndrome. Also called: Neoplastic Syndromes, Hereditary; Tumor predisposition; Hereditary Cancer Syndrome; Hereditary neoplastic syndrome. Identifiers: Orphanet 140162, MedGen C0027672, MeSH D009386, MONDO:0015356.

Submission:

Ambry Genetics
Classification: Uncertain significance for Hereditary cancer-predisposing syndrome. Last evaluated: 2026-02-20. Review status: criteria provided, single submitter. Criteria: Ambry Variant Classification Scheme 2023. Collection method: clinical testing. Allele origin: germline.
Comment: The p.D1832Y variant (also known as c.5494G>T), located in coding exon 15 of the APC gene, results from a G to T substitution at nucleotide position 5494. The aspartic acid at codon 1832 is replaced by tyrosine, an amino acid with highly dissimilar properties. This amino acid position is conserved. In addition, in silico predictors for this gene do not accurately predict pathogenicity. Based on the available evidence, the clinical significance of this variant remains unclear.

NM_000038.6(APC):c.5494G>T (p.Asp1832Tyr)

Gene: APC (APC regulator of Wnt signaling pathway; plus strand). Cytogenetic location: 5q22.2.
Variant type: single nucleotide variant.
Coding change: c.5494G>T on transcript NM_000038.6 (MANE Select); coding-DNA position 5494, G replaced by T.
Protein change: p.Asp1832Tyr; replaces aspartic acid 1832 with tyrosine.
Molecular consequence: missense variant. On other transcripts: non-coding transcript variant (2).
Genome position (GRCh38, 1-based): chr5:112,841,088, G>T. VCF-style: chr5-112841088-G-T. GRCh37 (hg19) VCF-style: chr5-112176785-G-T.
Other names: c.5494G>T, p.Asp1832Tyr (NM_001127510.3, NM_001354895.2, NM_001407450.1); c.5440G>T, p.Asp1814Tyr (NM_001127511.3); c.5548G>T, p.Asp1850Tyr (NM_001354896.2, NM_001407447.1, NM_001407448.1 and 1 more transcripts); c.5524G>T, p.Asp1842Tyr (NM_001354897.2); c.5419G>T, p.Asp1807Tyr (NM_001354898.2); c.5410G>T, p.Asp1804Tyr (NM_001354899.2); c.5371G>T, p.Asp1791Tyr (NM_001354900.2); c.5317G>T, p.Asp1773Tyr (NM_001354901.2, NM_001407453.1); and 11 more; short protein forms D1706Y, D1807Y, D1703Y, D1731Y, D1749Y, D1791Y, D1832Y, D1842Y.
Identifiers: ClinVar variation 4825073 (VCV004825073.1).